The following is an entry in ClinVar:

ClinVar aggregate classification (germline): Uncertain significance. Review status: criteria provided, multiple submitters, no conflicts (2 of 4 stars). 3 submissions from 3 submitters: Uncertain significance (3). Last evaluated 2023-11-02.

Conditions:
Hereditary breast ovarian cancer syndrome. Also called: Hereditary breast and ovarian cancer syndrome; Hereditary breast and ovarian cancer; BRCA1- and BRCA2-Associated Hereditary Breast and Ovarian Cancer; Hereditary breast and/or ovarian cancer syndrome; Hereditary breast and ovarian cancer syndrome (HBOC); Breast and ovarian cancer. Identifiers: Orphanet 145, MedGen C0677776, MeSH D061325, MONDO:0003582. Disease mechanism: loss of function.
Hereditary cancer-predisposing syndrome. Also called: Hereditary Cancer Syndrome; Tumor predisposition; Neoplastic Syndromes, Hereditary; Hereditary neoplastic syndrome. Identifiers: Orphanet 140162, MedGen C0027672, MeSH D009386, MONDO:0015356.
Breast-ovarian cancer, familial, susceptibility to, 2 (BROVCA2). Also called: BRCA2 Hereditary Breast and Ovarian Cancer. Identifiers: Orphanet 145, MedGen C2675520, MONDO:0012933, OMIM 612555. Disease mechanism: loss of function.

Submissions (3):

All of Us Research Program, National Institutes of Health
Classification: Uncertain significance for Breast-ovarian cancer, familial, susceptibility to, 2. Last evaluated: 2023-11-02. Review status: criteria provided, single submitter. Criteria: ACMG Guidelines, 2015. Collection method: clinical testing. Allele origin: germline. Inheritance: Autosomal dominant inheritance. Observed: 1 variant allele, 1 heterozygote.
Comment: This missense variant replaces serine with threonine at codon 183 of the BRCA2 protein. Computational prediction suggests that this variant may not impact protein structure and function (internally defined REVEL score threshold <= 0.5, PMID: 27666373). To our knowledge, functional studies have not been reported for this variant. This variant has not been reported in individuals affected with BRCA2-related disorders in the literature. This variant has not been identified in the general population by the Genome Aggregation Database (gnomAD). The available evidence is insufficient to determine the role of this variant in disease conclusively. Therefore, this variant is classified as a Variant of Uncertain Significance.

This study involves interpretation of variants in research participants for the purpose of population health screening. Participant phenotype was not available at the time of variant classification. Additional details can be found in publication PMID: 35346344, PMCID: PMC8962531

Labcorp Genetics (formerly Invitae), Labcorp
Classification: Uncertain significance for Hereditary breast ovarian cancer syndrome. Last evaluated: 2023-10-12. Review status: criteria provided, single submitter. Criteria: Invitae Variant Classification Sherloc (09022015). Collection method: clinical testing. Allele origin: germline.
Comment: This sequence change replaces serine, which is neutral and polar, with threonine, which is neutral and polar, at codon 183 of the BRCA2 protein (p.Ser183Thr). This variant is not present in population databases (gnomAD no frequency). This variant has not been reported in the literature in individuals affected with BRCA2-related conditions. ClinVar contains an entry for this variant (Variation ID: 648579). Advanced modeling of protein sequence and biophysical properties (such as structural, functional, and spatial information, amino acid conservation, physicochemical variation, residue mobility, and thermodynamic stability) performed at Invitae indicates that this missense variant is not expected to disrupt BRCA2 protein function. In summary, the available evidence is currently insufficient to determine the role of this variant in disease. Therefore, it has been classified as a Variant of Uncertain Significance.

Ambry Genetics
Classification: Uncertain significance for Hereditary cancer-predisposing syndrome. Last evaluated: 2020-10-21. Review status: criteria provided, single submitter. Criteria: Ambry Variant Classification Scheme 2023. Collection method: clinical testing. Allele origin: germline.
Comment: The p.S183T variant (also known as c.548G>C), located in coding exon 6 of the BRCA2 gene, results from a G to C substitution at nucleotide position 548. The serine at codon 183 is replaced by threonine, an amino acid with similar properties. This amino acid position is highly conserved in available vertebrate species. In addition, this alteration is predicted to be tolerated by in silico analysis. Since supporting evidence is limited at this time, the clinical significance of this alteration remains unclear.

NM_000059.4(BRCA2):c.548G>C (p.Ser183Thr)

Gene: BRCA2 (BRCA2 DNA repair associated; plus strand). Cytogenetic location: 13q13.1.
Variant type: single nucleotide variant.
Coding change: c.548G>C on transcript NM_000059.4 (MANE Select); coding-DNA position 548, G replaced by C.
Protein change: p.Ser183Thr; replaces serine 183 with threonine.
Molecular consequence: missense variant.
Genome position (GRCh38, 1-based): chr13:32,326,530, G>C. VCF-style: chr13-32326530-G-C. GRCh37 (hg19) VCF-style: chr13-32900667-G-C.
Other names: short protein forms S183T.
Identifiers: ClinVar variation 648579 (VCV000648579.14), dbSNP rs863224593, ClinGen allele CA387757886.